The following is an entry in ClinVar:

ClinVar aggregate classification (germline): Uncertain significance (1 of 4 stars; one submission).

Conditions:
Hypercholesterolemia, autosomal dominant, type B (FHCL2). Also called: APOB-Related Familial Hypercholesterolemia, Autosomal Dominant; Familial Hypercholesterolemia Type B; APOLIPOPROTEIN B-100, FAMILIAL DEFECTIVE; APOLIPOPROTEIN B-100, FAMILIAL LIGAND-DEFECTIVE; HYPERCHOLESTEROLEMIA, FAMILIAL, DUE TO LIGAND-DEFECTIVE APOLIPOPROTEIN B; Hyperlipoproteinemia Type IIb. Identifiers: MedGen C1704417, MONDO:0007751, OMIM 144010.
Familial hypobetalipoproteinemia 1. Also called: Hypobetalipoproteinemia, normotriglyceridemic; Acanthocytosis with hypobetalipoproteinemia; APOB-Related Familial Hypobetalipoproteinemia. Identifiers: MedGen C4551990, MONDO:0014252, OMIM 615558.

Submission:

Labcorp Genetics (formerly Invitae), Labcorp
Classification: Uncertain significance for Familial hypobetalipoproteinemia 1; Hypercholesterolemia, autosomal dominant, type B. Last evaluated: 2023-06-27. Review status: criteria provided, single submitter. Criteria: Invitae Variant Classification Sherloc (09022015). Collection method: clinical testing. Allele origin: germline.
Comment: This variant has not been reported in the literature in individuals affected with APOB-related conditions. In summary, the available evidence is currently insufficient to determine the role of this variant in disease. Therefore, it has been classified as a Variant of Uncertain Significance. Advanced modeling of protein sequence and biophysical properties (such as structural, functional, and spatial information, amino acid conservation, physicochemical variation, residue mobility, and thermodynamic stability) performed at Invitae indicates that this missense variant is not expected to disrupt APOB protein function. This variant is not present in population databases (gnomAD no frequency). This sequence change replaces tyrosine, which is neutral and polar, with cysteine, which is neutral and slightly polar, at codon 1367 of the APOB protein (p.Tyr1367Cys).

NM_000384.3(APOB):c.4100A>G (p.Tyr1367Cys)

Gene: APOB (apolipoprotein B; minus strand). Cytogenetic location: 2p24.1.
Variant type: single nucleotide variant.
Coding change: c.4100A>G on transcript NM_000384.3 (MANE Select); coding-DNA position 4100, A replaced by G.
Protein change: p.Tyr1367Cys; replaces tyrosine 1367 with cysteine.
Molecular consequence: missense variant.
Genome position (GRCh38, 1-based): chr2:21,013,276, T>C on the plus strand (A>G on the coding strand, the complement: APOB is on the minus strand). VCF-style: chr2-21013276-T-C. GRCh37 (hg19) VCF-style: chr2-21236148-T-C.
Other names: short protein forms Y1367C.
Identifiers: ClinVar variation 2949329 (VCV002949329.3), dbSNP rs2465380889, ClinGen allele CA346007622.